The following is an entry in ClinVar:

NM_001128148.3(TFRC):c.1198+17_1198+18insA

Gene: TFRC (transferrin receptor; minus strand). Cytogenetic location: 3q29.
Variant type: Insertion.
Coding change: c.1198+17_1198+18insA on transcript NM_001128148.3 (MANE Select); bases 17 to 18 of the intron after coding-DNA position 1198, A inserted.
Molecular consequence: intron variant.
Genome position: GRCh38 VCF-style: chr3-196065425-G-GT. GRCh37 (hg19) VCF-style: chr3-195792296-G-GT.
Other names: c.352+17_352+18insA (NM_001313966.2); c.955+17_955+18insA (NM_001313965.2); c.1198+17_1198+18insA (NM_003234.4).
Identifiers: ClinVar variation 1165715 (VCV001165715.9), dbSNP rs375392784, ClinGen allele CA2778028.

ClinVar aggregate classification (germline): Benign/Likely benign. Review status: criteria provided, multiple submitters, no conflicts (2 of 4 stars). 3 submissions from 3 submitters: Benign (2); Likely benign (1). Last evaluated 2026-01-29.

Allele frequency attached by ClinVar (database versions not stated): gnomAD exomes 0.00005 and 0.00040; ExAC 0.00155.

Submissions (3):

Women's Health and Genetics/Laboratory Corporation of America, LabCorp
Classification: Benign. Last evaluated: 2026-01-29. Review status: criteria provided, single submitter. Criteria: LabCorp Variant Classification Summary - May 2015. Collection method: clinical testing. Allele origin: germline.
Comment: Variant summary: TFRC c.1198+17_1198+18insA alters a nucleotide located at a position not widely known to affect splicing. Consensus agreement among computation tools predict no significant impact on normal splicing. However, these predictions have yet to be confirmed by functional studies. The variant allele was found at a frequency of 0.00079 in 53074 control chromosomes, predominantly at a frequency of 0.0068 within the African or African-American subpopulation in the gnomAD database, including 1 homozygote. The observed variant frequency within African or African-American control individuals in the gnomAD database exceeds the estimated maximal expected allele frequency for disease-causing variants in TFRC. To our knowledge, no occurrence of c.1198+17_1198+18insA in individuals affected with TFRC-related conditions and no experimental evidence demonstrating its impact on protein function have been reported. ClinVar contains an entry for this variant (Variation ID: 1165715). Based on the evidence outlined above, the variant was classified as benign.

Labcorp Genetics (formerly Invitae), Labcorp
Classification: Benign. Last evaluated: 2026-01-24. Review status: criteria provided, single submitter. Criteria: Invitae Variant Classification Sherloc (09022015). Collection method: clinical testing. Allele origin: germline.

Blueprint Genetics
Classification: Likely benign. Last evaluated: 2024-08-06. Review status: criteria provided, single submitter. Criteria: ACMG Guidelines, 2015. Collection method: clinical testing. Allele origin: germline.